The following is an entry in ClinVar:

NM_001001563.5(TIMM50):c.1054C>T (p.Gln352Ter)

Gene: TIMM50 (translocase of inner mitochondrial membrane 50; plus strand). Cytogenetic location: 19q13.2.
Variant type: single nucleotide variant.
Coding change: c.1054C>T on transcript NM_001001563.5 (MANE Select); coding-DNA position 1054, C replaced by T.
Protein change: p.Gln352Ter; replaces glutamine 352 with a stop codon.
Molecular consequence: nonsense.
Genome position (GRCh38, 1-based): chr19:39,489,812, C>T. VCF-style: chr19-39489812-C-T. GRCh37 (hg19) VCF-style: chr19-39980452-C-T.
Other names: c.715C>T, p.Gln239Ter (NM_001329559.2); short protein forms Q239*, Q352*.
Identifiers: ClinVar variation 1397423 (VCV001397423.3), dbSNP rs143483965, ClinGen allele CA9432063.

ClinVar aggregate classification (germline): Uncertain significance (1 of 4 stars; one submission).

Allele frequency attached by ClinVar (database versions not stated): ExAC 0.00007; gnomAD exomes 0.00008 and 0.00003; gnomAD 0.00027 and 0.00028; 1000 Genomes Project 30x 0.00031; ESP Exome Variant Server 0.00031; TOPMed 0.00034; 1000 Genomes Project 0.00040.
gnomAD v4.1: 79 of 1,606,992 alleles (0.0049%); highest among the groups gnomAD compares: African/African-American, 0.084%; no homozygotes.

Submission:

Labcorp Genetics (formerly Invitae), Labcorp
Classification: Uncertain significance. Last evaluated: 2022-09-13. Review status: criteria provided, single submitter. Criteria: Invitae Variant Classification Sherloc (09022015). Collection method: clinical testing. Allele origin: germline.
Comment: This sequence change creates a premature translational stop signal (p.Gln455*) in the TIMM50 gene. While this is not anticipated to result in nonsense mediated decay, it is expected to disrupt the last 2 amino acid(s) of the TIMM50 protein. This variant is present in population databases (rs143483965, gnomAD 0.09%). This variant has not been reported in the literature in individuals affected with TIMM50-related conditions. ClinVar contains an entry for this variant (Variation ID: 1397423). Experimental studies and prediction algorithms are not available or were not evaluated, and the functional significance of this variant is currently unknown. In summary, the available evidence is currently insufficient to determine the role of this variant in disease. Therefore, it has been classified as a Variant of Uncertain Significance.